The following is an entry in ClinVar:

ClinVar aggregate classification (germline): Likely pathogenic (1 of 4 stars; one submission).

Conditions:
Primary ciliary dyskinesia 5. Also called: CILIARY DYSKINESIA, PRIMARY, 5, WITHOUT SITUS INVERSUS. Identifiers: Orphanet 244, MedGen C1837615, MONDO:0012088, OMIM 608647.

Submission:

3billion
Classification: Likely pathogenic for Primary ciliary dyskinesia 5. Last evaluated: 2025-05-09. Review status: criteria provided, single submitter. Criteria: ACMG Guidelines, 2015. Collection method: clinical testing. Allele origin: germline. Affected: yes.
Comment: The variant is not observed in the gnomAD v4.1.0 dataset. Predicted Consequence/Location: Canonical splice site: predicted to alter splicing and result in a loss or disruption of normal protein function. Multiple pathogenic loss-of-function variants are reported downstream of the variant. In silico tools predict the variant to alter splicing and produce an abnormal transcript [SpliceAI: 0.99 (spliceogenicity >=0.2, non-spliceogenicity <0.1)]. Therefore, this variant is classified as Likely pathogenic according to the recommendation of ACMG/AMP guideline.

NM_001270974.2(HYDIN):c.2075+1G>A

Gene: HYDIN (HYDIN axonemal central pair apparatus protein; minus strand). Cytogenetic location: 16q22.2.
Variant type: single nucleotide variant.
Coding change: c.2075+1G>A on transcript NM_001270974.2 (MANE Select); the canonical splice donor site of the intron after coding-DNA position 2075, G replaced by A.
Molecular consequence: splice donor variant.
Genome position (GRCh38, 1-based): chr16:71,067,289, C>T on the plus strand (G>A on the coding strand, the complement: HYDIN is on the minus strand). VCF-style: chr16-71067289-C-T. GRCh37 (hg19) VCF-style: chr16-71101192-C-T.
Other names: c.2075+1G>A (NM_017558.5); c.2126+1G>A (NM_001198543.1); c.2156+1G>A (NM_001198542.1).
Identifiers: ClinVar variation 4855830 (VCV004855830.1).